The following is an entry in ClinVar:

NM_014797.3(ZBTB24):c.758dup (p.Tyr253Ter)

Gene: ZBTB24 (zinc finger and BTB domain containing 24; minus strand). Cytogenetic location: 6q21.
Variant type: Duplication.
Coding change: c.758dup on transcript NM_014797.3 (MANE Select); coding-DNA position 758, one base duplicated (A; older notation c.758dupA).
Protein change: p.Tyr253Ter; replaces tyrosine 253 with a stop codon.
Molecular consequence: nonsense.
Genome position (GRCh38, 1-based): chr6:109,481,269, T duplicated on the plus strand (A on the coding strand, the reverse complement: ZBTB24 is on the minus strand). VCF-style (leftmost placement, unchanged base first): chr6-109481268-G-GT. GRCh37 (hg19) VCF-style: chr6-109802471-G-GT.
Other names: c.758dup, p.Tyr253Ter (NM_001164313.2); short protein forms Y253*.
Identifiers: ClinVar variation 3638359 (VCV003638359.2).

ClinVar aggregate classification (germline): Pathogenic (1 of 4 stars; one submission).

Conditions:
Immunodeficiency-centromeric instability-facial anomalies syndrome 2 (ICF2). Identifiers: Orphanet 2268, MedGen C3279748, MONDO:0013553, OMIM 614069.

Submission:

Labcorp Genetics (formerly Invitae), Labcorp
Classification: Pathogenic for Immunodeficiency-centromeric instability-facial anomalies syndrome 2. Last evaluated: 2024-02-02. Review status: criteria provided, single submitter. Criteria: Invitae Variant Classification Sherloc (09022015). Collection method: clinical testing. Allele origin: germline.
Comment: This sequence change creates a premature translational stop signal (p.Tyr253*) in the ZBTB24 gene. It is expected to result in an absent or disrupted protein product. Loss-of-function variants in ZBTB24 are known to be pathogenic (PMID: 21596365). This variant is not present in population databases (gnomAD no frequency). This premature translational stop signal has been observed in individual(s) with immunodeficiency-centromeric instability-facial anomalies syndrome (PMID: 23486536). For these reasons, this variant has been classified as Pathogenic.

Literature cited by the submitters: PubMed 21596365; PubMed 23486536.